The following is an entry in ClinVar:

ClinVar aggregate classification (germline): Benign/Likely benign. Review status: criteria provided, multiple submitters, no conflicts (2 of 4 stars). 8 submissions from 8 submitters: Benign (2); Likely benign (3). 3 of the submissions do not count toward it. Last evaluated 2026-02-01.

Conditions:
PIEZO1-related disorder. Also called: PIEZO1-related condition; PIEZO1-Related Disorders.

Allele frequency attached by ClinVar (database versions not stated): 1000 Genomes Project 0.00040; 1000 Genomes Project 30x 0.00047; TOPMed 0.00164; ExAC 0.00176; ESP Exome Variant Server 0.00197.
gnomAD v4.1: 3,632 of 1,550,040 alleles (0.23%); highest among the groups gnomAD compares: Admixed American, 0.3%; 10 homozygotes.

Submissions (8):

CeGaT Center for Human Genetics Tuebingen
Classification: Likely benign. Last evaluated: 2026-02-01. Review status: criteria provided, single submitter. Criteria: CeGaT Center For Human Genetics Tuebingen Variant Classification Criteria Version 2. Collection method: clinical testing. Allele origin: germline. Affected: yes. Observed: 6 variant alleles.
Comment: PIEZO1: BP4, BP7

Labcorp Genetics (formerly Invitae), Labcorp
Classification: Benign. Last evaluated: 2026-01-18. Review status: criteria provided, single submitter. Criteria: Invitae Variant Classification Sherloc (09022015). Collection method: clinical testing. Allele origin: germline.

ARUP Laboratories, Molecular Genetics and Genomics, ARUP Laboratories
Classification: Benign. Last evaluated: 2025-03-04. Review status: criteria provided, single submitter. Criteria: ARUP Molecular Germline Variant Investigation Process 2024. Collection method: clinical testing. Allele origin: germline.

Mayo Clinic Laboratories, Mayo Clinic
Classification: Likely benign. Last evaluated: 2025-02-05. Review status: criteria provided, single submitter. Criteria: ACMG Guidelines, 2015. Collection method: clinical testing. Allele origin: germline. Observed: 6 variant alleles.
Comment: BP4, BP7

Blueprint Genetics
Classification: Likely benign. Last evaluated: 2024-10-25. Review status: criteria provided, single submitter. Criteria: ACMG Guidelines, 2015. Collection method: clinical testing. Allele origin: germline.

PreventionGenetics, part of Exact Sciences
Classification: Likely benign for PIEZO1-related condition. Last evaluated: 2019-12-11. Review status: no assertion criteria provided. Collection method: clinical testing. Allele origin: germline. Not counted in ClinVar's aggregate classification.
Comment: This variant is classified as likely benign based on ACMG/AMP sequence variant interpretation guidelines (Richards et al. 2015 PMID: 25741868, with internal and published modifications).

Clinical Genetics DNA and cytogenetics Diagnostics Lab, Erasmus MC, Erasmus Medical Center
Classification: Likely benign. Review status: no assertion criteria provided. Collection method: clinical testing. Allele origin: germline. Affected: yes. Study: VKGL Data-share Consensus. Not counted in ClinVar's aggregate classification.

Genome Diagnostics Laboratory, University Medical Center Utrecht
Classification: Likely benign. Review status: no assertion criteria provided. Collection method: clinical testing. Allele origin: germline. Affected: yes. Study: VKGL Data-share Consensus. Not counted in ClinVar's aggregate classification.

NM_001142864.4(PIEZO1):c.5139C>T (p.Leu1713=)

Gene: PIEZO1 (piezo type mechanosensitive ion channel component 1 (Er blood group); minus strand). Cytogenetic location: 16q24.3.
Variant type: single nucleotide variant.
Coding change: c.5139C>T on transcript NM_001142864.4 (MANE Select); coding-DNA position 5139, C replaced by T.
Protein change: p.Leu1713=; no amino-acid change (leucine 1713 retained).
Molecular consequence: synonymous variant.
Genome position (GRCh38, 1-based): chr16:88,721,883, G>A on the plus strand (C>T on the coding strand, the complement: PIEZO1 is on the minus strand). VCF-style: chr16-88721883-G-A. GRCh37 (hg19) VCF-style: chr16-88788291-G-A.
Other names: p.Leu1713=.
Identifiers: ClinVar variation 773309 (VCV000773309.47), dbSNP rs369279313, ClinGen allele CA8231951.
Genomic context (GRCh38, chr16:88,721,883, plus strand): 5'-GGCCGTCATCCAGAAGCGCTTGCTGGGCCTCGGGATCGACAGCATGGCCCACAGGAAGAC[G>A]AGCACGGGCAGCACCAGCGAGCCGGCGGAGGCCGTGACCATGTGGTTGAGGATGATGATG-3'
Protein context (NP_001136336.2, residues 1703-1723): ASAGSLVLPV[Leu1713=]VFLWAMLSIP